The following is an entry in ClinVar:

ClinVar aggregate classification (germline): Pathogenic (1 of 4 stars; one submission).

Conditions:
Landau-Kleffner syndrome (FESD). Also called: EPILEPSY, FOCAL, WITH SPEECH DISORDER AND WITH OR WITHOUT MENTAL RETARDATION; APHASIA, ACQUIRED, WITH EPILEPSY. Identifiers: Orphanet 1945, Orphanet 725, Orphanet 98818, MedGen C0282512, MONDO:0009509, OMIM 245570.

Submission:

Labcorp Genetics (formerly Invitae), Labcorp
Classification: Pathogenic for Landau-Kleffner syndrome. Last evaluated: 2020-05-27. Review status: criteria provided, single submitter. Criteria: Invitae Variant Classification Sherloc (09022015). Collection method: clinical testing. Allele origin: germline.
Comment: This variant results in a copy number gain of the genomic region encompassing exons 10 and 11 of the GRIN2A gene. While the exact position of this variant cannot be determined from this data, sub-genic copy number gains are generally in tandem (PMID: 25640679) and may result in an absent or disrupted protein product. For these reasons, this variant has been classified as Pathogenic. Loss-of-function variants in GRIN2A are known to be pathogenic (PMID: 23933819, 23933820). This variant has been observed in individual(s) with clinical features of GRIN2A-related conditions (Invitae). In at least one individual the variant was observed to be de novo.

Literature cited by the submitters: PubMed 25640679; PubMed 23933819; PubMed 23933820.

NC_000016.9:g.(?_9916101)_(9923529_?)dup

Gene: GRIN2A (glutamate ionotropic receptor NMDA type subunit 2A; minus strand). Cytogenetic location: 16p13.2.
Variant type: Duplication.
Identifiers: ClinVar variation 1073744 (VCV001073744.10).